The following is an entry in ClinVar:

Conditions:
Breast-ovarian cancer, familial, susceptibility to, 1 (BROVCA1). Also called: BRCA1 Hereditary Breast and Ovarian Cancer; OVARIAN CANCER, SUSCEPTIBILITY TO. Identifiers: Orphanet 145, MedGen C2676676, MONDO:0011450, OMIM 604370. Disease mechanism: loss of function.

Submission:

Brotman Baty Institute, University of Washington
No classification provided (evidence only). Condition: Breast-ovarian cancer, familial 1. Review status: no classification provided. Collection method: in vitro. Allele origin: not applicable. Functional consequence: functionally_normal.
ClinVar note: "not provided" was previously submitted as the classification for the variant. However, the classification appeared to be based only on an observation of functional data so it was converted to no classification on 2025-07-30.

NM_007294.4(BRCA1):c.5275A>G (p.Lys1759Glu)

Gene: BRCA1 (BRCA1 DNA repair associated; minus strand). Cytogenetic location: 17q21.31.
Variant type: single nucleotide variant.
Coding change: c.5275A>G on transcript NM_007294.4 (MANE Select); coding-DNA position 5275, A replaced by G.
Protein change: p.Lys1759Glu; replaces lysine 1759 with glutamic acid.
Molecular consequence: missense variant. On other transcripts: non-coding transcript variant (1).
Genome position (GRCh38, 1-based): chr17:43,057,054, T>C on the plus strand (A>G on the coding strand, the complement: BRCA1 is on the minus strand). VCF-style: chr17-43057054-T-C. GRCh37 (hg19) VCF-style: chr17-41209071-T-C.
Other names: c.5062A>G, p.Lys1688Glu (NM_001407571.1, NM_001407900.1, NM_001407902.1 and 12 more transcripts); c.5341A>G, p.Lys1781Glu (NM_001407581.1, NM_001407582.1); c.5338A>G, p.Lys1780Glu (NM_001407583.1, NM_001407585.1, NM_001407587.1 and 1 more transcripts); c.5272A>G, p.Lys1758Glu (NM_001407610.1, NM_001407611.1, NM_001407612.1 and 17 more transcripts); c.5269A>G, p.Lys1757Glu (NM_001407629.1, NM_001407630.1, NM_001407631.1 and 14 more transcripts); c.5215A>G, p.Lys1739Glu (NM_001407649.1); c.5197A>G, p.Lys1733Glu (NM_001407652.1, NM_001407653.1, NM_001407654.1 and 1 more transcripts); c.5194A>G, p.Lys1732Glu (NM_001407656.1, NM_001407657.1, NM_001407658.1); and 72 more; short protein forms K1712E, K1780E, K655E, K1759E, K1463E, K1605E, K1632E, K1671E.
Identifiers: ClinVar variation 867919 (VCV000867919.3), dbSNP rs2051496536, ClinGen allele CA10591002.